The following is an entry in ClinVar:

ClinVar aggregate classification (germline): Uncertain significance. Review status: criteria provided, multiple submitters, no conflicts (2 of 4 stars). 2 submissions from 2 submitters: Uncertain significance (2). Last evaluated 2026-01-12.

Conditions:
Inborn genetic diseases. Identifiers: MedGen C0950123, MeSH D030342.

Allele frequency attached by ClinVar (database versions not stated): ExAC 0.00002.
gnomAD v4.1: 16 of 1,614,042 alleles (0.00099%); highest among the groups gnomAD compares: Middle Eastern, 0.016%; no homozygotes.

Submissions (2):

Labcorp Genetics (formerly Invitae), Labcorp
Classification: Uncertain significance. Last evaluated: 2026-01-12. Review status: criteria provided, single submitter. Criteria: Invitae Variant Classification Sherloc (09022015). Collection method: clinical testing. Allele origin: germline.
Comment: This sequence change replaces proline, which is neutral and non-polar, with leucine, which is neutral and non-polar, at codon 218 of the EMC1 protein (p.Pro218Leu). This variant is present in population databases (rs766355680, gnomAD 0.003%). This variant has not been reported in the literature in individuals affected with EMC1-related conditions. ClinVar contains an entry for this variant (Variation ID: 1936950). Invitae Evidence Modeling of protein sequence and biophysical properties (such as structural, functional, and spatial information, amino acid conservation, physicochemical variation, residue mobility, and thermodynamic stability) indicates that this missense variant is not expected to disrupt EMC1 protein function with a negative predictive value of 80%. In summary, the available evidence is currently insufficient to determine the role of this variant in disease. Therefore, it has been classified as a Variant of Uncertain Significance.

Ambry Genetics
Classification: Uncertain significance for Inborn genetic diseases. Last evaluated: 2022-01-07. Review status: criteria provided, single submitter. Criteria: Ambry Variant Classification Scheme 2023. Collection method: clinical testing. Allele origin: germline.

NM_015047.3(EMC1):c.653C>T (p.Pro218Leu)

Genes: EMC1 (ER membrane protein complex subunit 1; minus strand), EMC1-AS1 (EMC1 antisense RNA 1; plus strand). Cytogenetic location: 1p36.13.
Variant type: single nucleotide variant.
Coding change: c.653C>T on transcript NM_015047.3 (MANE Select); coding-DNA position 653, C replaced by T.
Protein change: p.Pro218Leu; replaces proline 218 with leucine.
Molecular consequence: missense variant. On other transcripts: non-coding transcript variant (1).
Genome position (GRCh38, 1-based): chr1:19,240,430, G>A on the plus strand (C>T on the coding strand, the complement: EMC1 is on the minus strand). VCF-style: chr1-19240430-G-A. GRCh37 (hg19) VCF-style: chr1-19566924-G-A.
Other names: c.653C>T, p.Pro218Leu (NM_001271427.2, NM_001271428.2, NM_001375820.1 and 1 more transcripts); c.587C>T, p.Pro196Leu (NM_001271429.2); short protein forms P196L, P218L.
Identifiers: ClinVar variation 1936950 (VCV001936950.6), dbSNP rs766355680, ClinGen allele CA652830.
Genomic context (GRCh38, chr1:19,240,430, plus strand): 5'-GGACACACCAGGACAGCCTCATCCACCACACCACAGGCTCCAGACAGGTGCTGCAGCCAC[G>A]GAGTTGAAACCCTAACCTACAGAAAAGTCATCGTTAACAGGAAGCTCGTGAAAGATTTTT-3'
Protein context (NP_055862.1, residues 208-228): EIVQQVRVST[Pro218Leu]WLQHLSGACG